The following is an entry in ClinVar:

NM_020822.3(KCNT1):c.3508A>G (p.Met1170Val)

Gene: KCNT1 (potassium sodium-activated channel subfamily T member 1; plus strand). Cytogenetic location: 9q34.3.
Variant type: single nucleotide variant.
Coding change: c.3508A>G on transcript NM_020822.3 (MANE Select); coding-DNA position 3508, A replaced by G.
Protein change: p.Met1170Val; replaces methionine 1170 with valine.
Molecular consequence: missense variant.
Genome position (GRCh38, 1-based): chr9:135,791,802, A>G. VCF-style: chr9-135791802-A-G. GRCh37 (hg19) VCF-style: chr9-138683648-A-G.
Other names: c.3436A>G, p.Met1146Val (NM_001272003.2); short protein forms M1146V, M1170V.
Identifiers: ClinVar variation 1054648 (VCV001054648.13), dbSNP rs1834554393, ClinGen allele CA375493714.

ClinVar aggregate classification (germline): Uncertain significance. Review status: criteria provided, multiple submitters, no conflicts (2 of 4 stars). 4 submissions from 3 submitters: Uncertain significance (4). Last evaluated 2022-08-09.

Conditions:
Developmental and epileptic encephalopathy, 14 (DEE14). Also called: Early infantile epileptic encephalopathy 14. Identifiers: Orphanet 293181, MedGen C3554195, MONDO:0013989, OMIM 614959.
Autosomal dominant nocturnal frontal lobe epilepsy 5. Also called: KCNT1-Related Epilepsy; CILIARY DYSKINESIA, PRIMARY, 28, WITHOUT SITUS INVERSUS; CILIARY DYSKINESIA, PRIMARY, 28, WITH SITUS INVERSUS; Epilepsy, nocturnal frontal lobe, 5. Identifiers: Orphanet 98784, MedGen C3554306, MONDO:0014002, OMIM 615005.

Allele frequency attached by ClinVar (database versions not stated): gnomAD 0.00001; TOPMed 0.00001.

Submissions (4):

Labcorp Genetics (formerly Invitae), Labcorp
Classification: Uncertain significance for Autosomal dominant nocturnal frontal lobe epilepsy 5; Developmental and epileptic encephalopathy, 14. Last evaluated: 2022-08-09. Review status: criteria provided, single submitter. Criteria: Invitae Variant Classification Sherloc (09022015). Collection method: clinical testing. Allele origin: germline.
Comment: In summary, the available evidence is currently insufficient to determine the role of this variant in disease. Therefore, it has been classified as a Variant of Uncertain Significance. Algorithms developed to predict the effect of sequence changes on RNA splicing suggest that this variant may create or strengthen a splice site. Advanced modeling of protein sequence and biophysical properties (such as structural, functional, and spatial information, amino acid conservation, physicochemical variation, residue mobility, and thermodynamic stability) performed at Invitae indicates that this missense variant is not expected to disrupt KCNT1 protein function. ClinVar contains an entry for this variant (Variation ID: 1054648). This variant has not been reported in the literature in individuals affected with KCNT1-related conditions. This variant is not present in population databases (gnomAD no frequency). This sequence change replaces methionine, which is neutral and non-polar, with valine, which is neutral and non-polar, at codon 1170 of the KCNT1 protein (p.Met1170Val).

Genome-Nilou Lab
Classification: Uncertain significance for Developmental and epileptic encephalopathy, 14. Last evaluated: 2022-03-15. Review status: criteria provided, single submitter. Criteria: ACMG Guidelines, 2015. Collection method: clinical testing. Allele origin: germline. Affected: no.

Genome-Nilou Lab
Classification: Uncertain significance for Autosomal dominant nocturnal frontal lobe epilepsy 5. Last evaluated: 2022-03-15. Review status: criteria provided, single submitter. Criteria: ACMG Guidelines, 2015. Collection method: clinical testing. Allele origin: germline. Affected: no.

GeneDx
Classification: Uncertain significance. Last evaluated: 2019-05-10. Review status: criteria provided, single submitter. Criteria: GeneDx Variant Classification Process June 2021. Collection method: clinical testing. Allele origin: germline. Affected: yes.
Comment: Not observed in large population cohorts (Lek et al., 2016); In silico analysis, which includes protein predictors and evolutionary conservation, supports that this variant does not alter protein structure/function; Has not been previously published as pathogenic or benign to our knowledge